The following is an entry in ClinVar:

NM_000179.3(MSH6):c.3530T>G (p.Leu1177Arg)

Gene: MSH6 (mutS homolog 6; plus strand). Cytogenetic location: 2p16.3.
Variant type: single nucleotide variant.
Coding change: c.3530T>G on transcript NM_000179.3 (MANE Select); coding-DNA position 3530, T replaced by G.
Protein change: p.Leu1177Arg; replaces leucine 1177 with arginine.
Molecular consequence: missense variant.
Genome position (GRCh38, 1-based): chr2:47,805,001, T>G. VCF-style: chr2-47805001-T-G. GRCh37 (hg19) VCF-style: chr2-48032140-T-G.
Other names: c.3140T>G, p.Leu1047Arg (NM_001281492.2); c.2624T>G, p.Leu875Arg (NM_001281493.2, NM_001281494.2); short protein forms L1177R, L875R, L1047R.
Identifiers: ClinVar variation 938809 (VCV000938809.8), dbSNP rs1572738932, ClinGen allele CA346760230.

ClinVar aggregate classification (germline): Uncertain significance (1 of 4 stars; one submission).

Conditions:
Hereditary nonpolyposis colorectal neoplasms. Identifiers: MedGen C0009405, MeSH D003123.

Submission:

Labcorp Genetics (formerly Invitae), Labcorp
Classification: Uncertain significance for Hereditary nonpolyposis colorectal neoplasms. Last evaluated: 2021-10-18. Review status: criteria provided, single submitter. Criteria: Invitae Variant Classification Sherloc (09022015). Collection method: clinical testing. Allele origin: germline.
Comment: Algorithms developed to predict the effect of missense changes on protein structure and function (SIFT, PolyPhen-2, Align-GVGD) all suggest that this variant is likely to be disruptive. In summary, the available evidence is currently insufficient to determine the role of this variant in disease. Therefore, it has been classified as a Variant of Uncertain Significance. This variant has not been reported in the literature in individuals affected with MSH6-related conditions. This variant is not present in population databases (ExAC no frequency). This sequence change replaces leucine with arginine at codon 1177 of the MSH6 protein (p.Leu1177Arg). The leucine residue is highly conserved and there is a moderate physicochemical difference between leucine and arginine.